The following is an entry in ClinVar:

ClinVar aggregate classification (germline): Uncertain significance (1 of 4 stars; one submission).

Submission:

CeGaT Center for Human Genetics Tuebingen
Classification: Uncertain significance. Last evaluated: 2024-05-01. Review status: criteria provided, single submitter. Criteria: CeGaT Center For Human Genetics Tuebingen Variant Classification Criteria Version 2. Collection method: clinical testing. Allele origin: germline. Affected: yes. Observed: 1 variant allele.
Comment: ZBTB18: PM2

NM_205768.3(ZBTB18):c.1543C>T (p.Pro515Ser)

Gene: ZBTB18 (zinc finger and BTB domain containing 18; plus strand). Cytogenetic location: 1q44.
Variant type: single nucleotide variant.
Coding change: c.1543C>T on transcript NM_205768.3 (MANE Select); coding-DNA position 1543, C replaced by T.
Protein change: p.Pro515Ser; replaces proline 515 with serine.
Molecular consequence: missense variant. On other transcripts: 3 prime UTR variant (1).
Genome position (GRCh38, 1-based): chr1:244,055,317, C>T. VCF-style: chr1-244055317-C-T. GRCh37 (hg19) VCF-style: chr1-244218619-C-T.
Other names: c.1516C>T, p.Pro506Ser (NM_001278196.2, NM_006352.5); c.*720C>T (NM_001421566.1); short protein forms P506S, P515S.
Identifiers: ClinVar variation 3239557 (VCV003239557.19), dbSNP rs2527562098.